The following is an entry in ClinVar:

ClinVar aggregate classification (germline): Uncertain significance. Review status: criteria provided, multiple submitters, no conflicts (2 of 4 stars). 2 submissions from 2 submitters: Uncertain significance (2). Last evaluated 2021-11-29.

Conditions:
Familial cancer of breast. Also called: BREAST CANCER, FAMILIAL; Hereditary breast cancer; hereditary breast carcinoma. Identifiers: Orphanet 227535, MedGen C0346153, MONDO:0016419, OMIM 114480. Disease mechanism: loss of function.
Hereditary cancer-predisposing syndrome. Also called: Tumor predisposition; Hereditary Cancer Syndrome; Hereditary neoplastic syndrome; Neoplastic Syndromes, Hereditary. Identifiers: Orphanet 140162, MedGen C0027672, MeSH D009386, MONDO:0015356.

gnomAD v4.1: 12 of 1,614,188 alleles (0.00074%); highest among the groups gnomAD compares: Non-Finnish European, 0.001%; no homozygotes.

Submissions (2):

Labcorp Genetics (formerly Invitae), Labcorp
Classification: Uncertain significance for Familial cancer of breast. Last evaluated: 2021-11-29. Review status: criteria provided, single submitter. Criteria: Invitae Variant Classification Sherloc (09022015). Collection method: clinical testing. Allele origin: germline.
Comment: This sequence change replaces glycine, which is neutral and non-polar, with arginine, which is basic and polar, at codon 467 of the PALB2 protein (p.Gly467Arg). This variant is not present in population databases (gnomAD no frequency). This variant has not been reported in the literature in individuals affected with PALB2-related conditions. ClinVar contains an entry for this variant (Variation ID: 410112). Algorithms developed to predict the effect of missense changes on protein structure and function (SIFT, PolyPhen-2, Align-GVGD) all suggest that this variant is likely to be tolerated. In summary, the available evidence is currently insufficient to determine the role of this variant in disease. Therefore, it has been classified as a Variant of Uncertain Significance.

Ambry Genetics
Classification: Uncertain significance for Hereditary cancer-predisposing syndrome. Last evaluated: 2020-10-26. Review status: criteria provided, single submitter. Criteria: Ambry Variant Classification Scheme 2023. Collection method: clinical testing. Allele origin: germline.
Comment: The p.G467R variant (also known as c.1399G>C), located in coding exon 4 of the PALB2 gene, results from a G to C substitution at nucleotide position 1399. The glycine at codon 467 is replaced by arginine, an amino acid with dissimilar properties. In one study, this alteration was identified in 1/923 familial breast cancer cases and was not observed in 1084 controls (Rahman N et al. Nat Genet, 2007 Feb;39:165-7).This amino acid position is poorly conserved in available vertebrate species. In addition, this alteration is predicted to be tolerated by in silico analysis. Since supporting evidence is limited at this time, the clinical significance of this alteration remains unclear.

Literature cited by the submitters: PubMed 17200668 (cited by Ambry Genetics).

NM_024675.4(PALB2):c.1399G>C (p.Gly467Arg)

Gene: PALB2 (partner and localizer of BRCA2; minus strand). Cytogenetic location: 16p12.2.
Variant type: single nucleotide variant.
Coding change: c.1399G>C on transcript NM_024675.4 (MANE Select); coding-DNA position 1399, G replaced by C.
Protein change: p.Gly467Arg; replaces glycine 467 with arginine.
Molecular consequence: missense variant.
Genome position (GRCh38, 1-based): chr16:23,635,147, C>G on the plus strand (G>C on the coding strand, the complement: PALB2 is on the minus strand). VCF-style: chr16-23635147-C-G. GRCh37 (hg19) VCF-style: chr16-23646468-C-G.
Other names: short protein forms G467R.
Identifiers: ClinVar variation 410112 (VCV000410112.9), dbSNP rs45602239, ClinGen allele CA16614858.
Genomic context (GRCh38, chr16:23,635,147, plus strand): 5'-CTTTAGTTAATGAGAGAAGTTTCTGAGAGGTTCTTGAACTTGGTTGTCCTGTGCATGTGC[C>G]AGACATCCTAATTTCACTTTGGTCAGTTTCCTCATTGGAAAGGTTTAAATTTTTACTTGC-3'
Protein context (NP_078951.2, residues 457-477): ETDQSEIRMS[Gly467Arg]TCTGQPSSRT